The following is an entry in ClinVar:

NM_003000.3(SDHB):c.33C>T (p.Arg11=)

Gene: SDHB (succinate dehydrogenase complex iron sulfur subunit B; minus strand). Cytogenetic location: 1p36.13.
Variant type: single nucleotide variant.
Coding change: c.33C>T on transcript NM_003000.3 (MANE Select); coding-DNA position 33, C replaced by T.
Protein change: p.Arg11=; no amino-acid change (arginine 11 retained).
Molecular consequence: synonymous variant.
Genome position (GRCh38, 1-based): chr1:17,053,987, G>A on the plus strand (C>T on the coding strand, the complement: SDHB is on the minus strand). VCF-style: chr1-17053987-G-A. GRCh37 (hg19) VCF-style: chr1-17380482-G-A.
Identifiers: ClinVar variation 528753 (VCV000528753.14), dbSNP rs146399542, ClinGen allele CA089591.

ClinVar aggregate classification (germline): Benign/Likely benign. Review status: criteria provided, multiple submitters, no conflicts (2 of 4 stars). 5 submissions from 5 submitters: Benign (1); Likely benign (4). Last evaluated 2025-09-17.

Conditions:
Hereditary pheochromocytoma and paraganglioma. Also called: Hereditary pheochromocytoma-paraganglioma; Hereditary Paraganglioma-Pheochromocytoma Syndromes; Hereditary paragangliomas and pheochromocytomas. Identifiers: Orphanet 29072, MedGen C4274332, MONDO:0017366.
Hereditary cancer-predisposing syndrome. Also called: Hereditary neoplastic syndrome; Neoplastic Syndromes, Hereditary; Hereditary Cancer Syndrome; Tumor predisposition. Identifiers: Orphanet 140162, MedGen C0027672, MeSH D009386, MONDO:0015356.
Pheochromocytoma/paraganglioma syndrome 4. Also called: SDHB-Related Hereditary Paraganglioma-Pheochromocytoma Syndrome; PARAGANGLIOMA, FAMILIAL MALIGNANT; PARAGANGLIOMAS, HEREDITARY EXTRAADRENAL; PHEOCHROMOCYTOMA, FAMILIAL EXTRAADRENAL; Paragangliomas 4; CAROTID BODY TUMORS AND MULTIPLE EXTRAADRENAL PHEOCHROMOCYTOMAS. Identifiers: Orphanet 29072, MedGen C1861848, MONDO:0007273, OMIM 115310.
Pheochromocytoma. Also called: MAX-Related Hereditary Paraganglioma-Pheochromocytoma Syndrome. Identifiers: Orphanet 29072, MedGen C0031511, MONDO:0008233, OMIM 171300, HP:0002666.
Gastrointestinal stromal tumor. Also called: Gastrointestinal stromal tumor, somatic; Gastrointestinal stroma tumor. Identifiers: Orphanet 44890, MedGen C0238198, MeSH D046152, MONDO:0011719, OMIM 606764, HP:0100723.

Allele frequency attached by ClinVar (database versions not stated): TOPMed below 0.00001; gnomAD 0.00001; gnomAD exomes 0.00001; ExAC 0.00003; ESP Exome Variant Server 0.00008.
gnomAD v4.1: 3 of 1,612,922 alleles (0.00019%); highest among the groups gnomAD compares: African/African-American, 0.004%; no homozygotes.

Submissions (5):

Labcorp Genetics (formerly Invitae), Labcorp
Classification: Likely benign for Gastrointestinal stromal tumor; Pheochromocytoma/paraganglioma syndrome 4; Pheochromocytoma. Last evaluated: 2025-09-17. Review status: criteria provided, single submitter. Criteria: Invitae Variant Classification Sherloc (09022015). Collection method: clinical testing. Allele origin: germline.

Myriad Genetics, Inc.
Classification: Benign for Pheochromocytoma/paraganglioma syndrome 4. Last evaluated: 2025-03-12. Review status: criteria provided, single submitter. Criteria: Myriad Autosomal Dominant, Autosomal Recessive and X-Linked Classification Criteria (2023). Collection method: clinical testing. Allele origin: unknown.
Comment: This variant is considered benign. This variant is a silent/synonymous amino acid change and it is not expected to impact splicing.

All of Us Research Program, National Institutes of Health
Classification: Likely benign for Hereditary pheochromocytoma and paraganglioma. Last evaluated: 2023-08-28. Review status: criteria provided, single submitter. Criteria: ACMG Guidelines, 2015. Collection method: clinical testing. Allele origin: germline. Inheritance: Autosomal dominant inheritance. Observed: 1 variant allele, 1 heterozygote.
Comment: This study involves interpretation of variants in research participants for the purpose of population health screening. Participant phenotype was not available at the time of variant classification. Additional details can be found in publication PMID: 35346344, PMCID: PMC8962531

Ambry Genetics
Classification: Likely benign for Hereditary cancer-predisposing syndrome. Last evaluated: 2022-07-25. Review status: criteria provided, single submitter. Criteria: Ambry Variant Classification Scheme 2023. Collection method: clinical testing. Allele origin: germline.

GeneDx
Classification: Likely benign. Last evaluated: 2020-03-02. Review status: criteria provided, single submitter. Criteria: GeneDx Variant Classification Process June 2021. Collection method: clinical testing. Allele origin: germline. Affected: yes.